The following is an entry in ClinVar:

ClinVar aggregate classification (germline): Pathogenic (1 of 4 stars; one submission).

Conditions:
Spastic paraplegia. Identifiers: MedGen C0037772, HP:0001258.

Submission:

Labcorp Genetics (formerly Invitae), Labcorp
Classification: Pathogenic for Spastic paraplegia. Last evaluated: 2023-06-25. Review status: criteria provided, single submitter. Criteria: Invitae Variant Classification Sherloc (09022015). Collection method: clinical testing. Allele origin: germline.
Comment: This variant disrupts a region of the SACS protein in which other variant(s) (p.Gln4054*) have been determined to be pathogenic (PMID: 18465152, 27288452). This suggests that this is a clinically significant region of the protein, and that variants that disrupt it are likely to be disease-causing. For these reasons, this variant has been classified as Pathogenic. This variant has not been reported in the literature in individuals affected with SACS-related conditions. This variant is not present in population databases (gnomAD no frequency). This sequence change creates a premature translational stop signal (p.Tyr3226*) in the SACS gene. While this is not anticipated to result in nonsense mediated decay, it is expected to disrupt the last 1354 amino acid(s) of the SACS protein.

Literature cited by the submitters: PubMed 18465152; PubMed 27288452.

NM_014363.6(SACS):c.9678T>G (p.Tyr3226Ter)

Gene: SACS (sacsin molecular chaperone; minus strand). Cytogenetic location: 13q12.12.
Variant type: single nucleotide variant.
Coding change: c.9678T>G on transcript NM_014363.6 (MANE Select); coding-DNA position 9678, T replaced by G.
Protein change: p.Tyr3226Ter; replaces tyrosine 3226 with a stop codon.
Molecular consequence: nonsense.
Genome position (GRCh38, 1-based): chr13:23,334,198, A>C on the plus strand (T>G on the coding strand, the complement: SACS is on the minus strand). VCF-style: chr13-23334198-A-C. GRCh37 (hg19) VCF-style: chr13-23908337-A-C.
Other names: c.9237T>G, p.Tyr3079Ter (NM_001278055.2); short protein forms Y3226*, Y3079*.
Identifiers: ClinVar variation 2825712 (VCV002825712.3), dbSNP rs2137581806, ClinGen allele CA387513907.